The following is an entry in ClinVar:

ClinVar aggregate classification (germline): Uncertain significance. Review status: criteria provided, multiple submitters, no conflicts (2 of 4 stars). 2 submissions from 2 submitters: Uncertain significance (2). Last evaluated 2026-07-30.

Conditions:
Neuroblastoma, susceptibility to, 3. Also called: ALK-Related Neuroblastic Tumor Susceptibility. Identifiers: Orphanet 635, MedGen C2751681, MONDO:0013083, OMIM 613014.
Hereditary cancer-predisposing syndrome. Also called: Hereditary Cancer Syndrome; Hereditary neoplastic syndrome; Neoplastic Syndromes, Hereditary; Tumor predisposition. Identifiers: Orphanet 140162, MedGen C0027672, MeSH D009386, MONDO:0015356.

Submissions (2):

Ambry Genetics
Classification: Uncertain significance for Hereditary cancer-predisposing syndrome. Last evaluated: 2026-07-30. Review status: criteria provided, single submitter. Criteria: Ambry Variant Classification Scheme 2023. Collection method: clinical testing. Allele origin: germline.
Comment: The c.4261delG variant, located in coding exon 29 of the ALK gene, results from a deletion of one nucleotide at nucleotide position 4261, causing a translational frameshift with a predicted alternate stop codon (p.V1421Ffs*56). This variant occurs at the 3' terminus of the gene and is not expected to trigger nonsense-mediated mRNA decay. Based on the available evidence, the clinical significance of this variant remains unclear.

Labcorp Genetics (formerly Invitae), Labcorp
Classification: Uncertain significance for Neuroblastoma, susceptibility to, 3. Last evaluated: 2022-11-15. Review status: criteria provided, single submitter. Criteria: Invitae Variant Classification Sherloc (09022015). Collection method: clinical testing. Allele origin: germline.
Comment: In summary, the available evidence is currently insufficient to determine the role of this variant in disease. Therefore, it has been classified as a Variant of Uncertain Significance. Algorithms developed to predict the effect of sequence changes on RNA splicing suggest that this variant may create or strengthen a splice site. This variant has not been reported in the literature in individuals affected with ALK-related conditions. This variant is not present in population databases (gnomAD no frequency). This sequence change creates a premature translational stop signal (p.Val1421Phefs*56) in the ALK gene. While this is not anticipated to result in nonsense mediated decay, it is expected to disrupt the last 200 amino acid(s) of the ALK protein.

NM_004304.5(ALK):c.4261del (p.Val1421fs)

Gene: ALK (ALK receptor tyrosine kinase; minus strand). Cytogenetic location: 2p23.2.
Variant type: Deletion.
Coding change: c.4261del on transcript NM_004304.5 (MANE Select); coding-DNA position 4261, one base deleted (G; older notation c.4261delG).
Protein change: p.Val1421fs; shifts the reading frame from valine 1421.
Molecular consequence: frameshift variant.
Genome position (GRCh38, 1-based): chr2:29,193,826, C deleted on the plus strand (G on the coding strand, the reverse complement: ALK is on the minus strand); the first of 5 consecutive C bases (chr2:29,193,826-29,193,830); deleting any one gives the same sequence. VCF-style (leftmost placement, unchanged base first): chr2-29193825-AC-A. GRCh37 (hg19) VCF-style: chr2-29416691-AC-A.
Other names: c.4261delG (NM_004304.4); c.1057del, p.Val353fs (NM_001353765.2); short protein forms V1421fs, V353fs.
Identifiers: ClinVar variation 2814443 (VCV002814443.5), dbSNP rs2465875087, ClinGen allele CA2739274296.